The following is an entry in ClinVar:

ClinVar aggregate classification (germline): Uncertain significance (1 of 4 stars; one submission).

gnomAD v4.1: 2 of 1,612,998 alleles (0.00012%); highest among the groups gnomAD compares: Non-Finnish European, 0.00017%; no homozygotes.

Submission:

GeneDx
Classification: Uncertain significance. Last evaluated: 2026-02-04. Review status: criteria provided, single submitter. Criteria: GeneDx Variant Classification Process June 2021. Collection method: clinical testing. Allele origin: germline.
Comment: Not observed at significant frequency in large population cohorts (gnomAD); In silico analysis supports that this missense variant has a deleterious effect on protein structure/function; Has not been previously published as pathogenic or benign to our knowledge

NM_145166.4(ZBTB47):c.1428C>G (p.Ser476Arg)

Gene: ZBTB47 (zinc finger and BTB domain containing 47; plus strand). Cytogenetic location: 3p22.1.
Variant type: single nucleotide variant.
Coding change: c.1428C>G on transcript NM_145166.4 (MANE Select); coding-DNA position 1428, C replaced by G.
Protein change: p.Ser476Arg; replaces serine 476 with arginine.
Molecular consequence: missense variant.
Genome position (GRCh38, 1-based): chr3:42,659,783, C>G. VCF-style: chr3-42659783-C-G. GRCh37 (hg19) VCF-style: chr3-42701275-C-G.
Other names: c.1512C>G, p.Ser504Arg (NM_001410746.1); short protein forms S476R, S504R.
Identifiers: ClinVar variation 3572543 (VCV003572543.2).